The following is an entry in ClinVar:

ClinVar aggregate classification (germline): Uncertain significance. Review status: criteria provided, multiple submitters, no conflicts (2 of 4 stars). 2 submissions from 2 submitters: Uncertain significance (2). Last evaluated 2025-12-08.

Conditions:
Inborn genetic diseases. Identifiers: MedGen C0950123, MeSH D030342.

Allele frequency attached by ClinVar (database versions not stated): gnomAD 0.00001; gnomAD exomes 0.00001; TOPMed 0.00001.
gnomAD v4.1: 13 of 1,614,088 alleles (0.00081%); highest among the groups gnomAD compares: African/African-American, 0.0013%; no homozygotes.

Submissions (2):

Ambry Genetics
Classification: Uncertain significance for Inborn genetic diseases. Last evaluated: 2025-12-08. Review status: criteria provided, single submitter. Criteria: Ambry Variant Classification Scheme 2023. Collection method: clinical testing. Allele origin: germline.

Labcorp Genetics (formerly Invitae), Labcorp
Classification: Uncertain significance. Last evaluated: 2024-02-20. Review status: criteria provided, single submitter. Criteria: Invitae Variant Classification Sherloc (09022015). Collection method: clinical testing. Allele origin: germline.
Comment: This sequence change replaces arginine, which is basic and polar, with histidine, which is basic and polar, at codon 914 of the INSR protein (p.Arg914His). This variant is present in population databases (no rsID available, gnomAD 0.0009%). This variant has not been reported in the literature in individuals affected with INSR-related conditions. Advanced modeling of protein sequence and biophysical properties (such as structural, functional, and spatial information, amino acid conservation, physicochemical variation, residue mobility, and thermodynamic stability) performed at Invitae indicates that this missense variant is not expected to disrupt INSR protein function with a negative predictive value of 80%. In summary, the available evidence is currently insufficient to determine the role of this variant in disease. Therefore, it has been classified as a Variant of Uncertain Significance.

NM_000208.4(INSR):c.2741G>A (p.Arg914His)

Gene: INSR (insulin receptor; minus strand). Cytogenetic location: 19p13.2.
Variant type: single nucleotide variant.
Coding change: c.2741G>A on transcript NM_000208.4 (MANE Select); coding-DNA position 2741, G replaced by A.
Protein change: p.Arg914His; replaces arginine 914 with histidine.
Molecular consequence: missense variant.
Genome position (GRCh38, 1-based): chr19:7,132,259, C>T on the plus strand (G>A on the coding strand, the complement: INSR is on the minus strand). VCF-style: chr19-7132259-C-T. GRCh37 (hg19) VCF-style: chr19-7132270-C-T.
Other names: c.2705G>A, p.Arg902His (NM_001079817.3); c.2741G>A (NM_000208.2); short protein forms R914H, R902H.
Identifiers: ClinVar variation 2792404 (VCV002792404.4), dbSNP rs1295690531, ClinGen allele CA403672105.